The following is an entry in ClinVar:

NM_003079.5(SMARCE1):c.773_774del (p.Lys258fs)

Gene: SMARCE1 (SWI/SNF related BAF chromatin remodeling complex subunit E1; minus strand). Cytogenetic location: 17q21.2.
Variant type: Deletion.
Coding change: c.773_774del on transcript NM_003079.5 (MANE Select); coding-DNA positions 773 to 774, 2 bases deleted (AA; older notation c.773_774delAA).
Protein change: p.Lys258fs; shifts the reading frame from lysine 258.
Molecular consequence: frameshift variant.
Genome position (GRCh38, 1-based): chr17:40,631,634-40,631,635, TT deleted on the plus strand (AA on the coding strand, the reverse complement: SMARCE1 is on the minus strand); deleting any 2 consecutive bases within chr17:40,631,634-40,631,636 gives the same sequence; the c. name uses the placement nearest the transcript's 3' end. VCF-style (leftmost placement, unchanged base first): chr17-40631633-ATT-A. GRCh37 (hg19) VCF-style: chr17-38787885-ATT-A.
Other names: short protein forms K258fs.
Identifiers: ClinVar variation 4759324 (VCV004759324.1).
Genomic context (GRCh38, chr17:40,631,633, plus strand): 5'-TAACATATTAAACAGATACCCTTTTAAGTTCATTGTTAAATGAATCTGTGCTTTCCAGGA[ATT>A]TCCTCTTCTTCTCCTGGTGTCGTTCCTCTATTTGAAGAAGTTCAGCTTCTAGTTTTCGCT-3'

ClinVar aggregate classification (germline): Likely pathogenic (1 of 4 stars; one submission).

Conditions:
Familial meningioma. Also called: Meningioma, familial, susceptibility to. Identifiers: Orphanet 263662, MedGen C3551915, MONDO:0011789, OMIM 607174.

Submission:

Institute for Genomic Medicine (IGM) Clinical Laboratory, Nationwide Children's Hospital
Classification: Likely pathogenic for Familial meningioma. Last evaluated: 2024-07-31. Review status: criteria provided, single submitter. Criteria: ACMG Guidelines, 2015. Collection method: clinical testing. Allele origin: germline.
Comment: This variant is predicted to result in loss of function through nonsense-mediated decay of the encoded transcript or premature truncation of the encoded protein in a gene in which loss of function is a known mechanism of disease (ACMG/AMP: PVS1; PMID:23377182). This variant is absent from or present at an exceedingly low frequency in gnomAD, a large-scale control population database (ACMG/AMP: PM2).

Literature cited by the submitters: PubMed 23377182.